The following is an entry in ClinVar:

NM_000283.4(PDE6B):c.764G>C (p.Arg255Thr)

Genes: PDE6B (phosphodiesterase 6B; plus strand), PDE6B-AS1 (PDE6B antisense RNA 1; minus strand). Cytogenetic location: 4p16.3.
Variant type: single nucleotide variant.
Coding change: c.764G>C on transcript NM_000283.4 (MANE Select); coding-DNA position 764, G replaced by C.
Protein change: p.Arg255Thr; replaces arginine 255 with threonine.
Molecular consequence: missense variant. On other transcripts: 5 prime UTR variant (5).
Genome position (GRCh38, 1-based): chr4:653,904, G>C. VCF-style: chr4-653904-G-C. GRCh37 (hg19) VCF-style: chr4-647693-G-C.
Other names: c.764G>C, p.Arg255Thr (NM_001145291.2); c.-74G>C (NM_001145292.2, NM_001350154.3, NM_001379246.1 and 1 more transcripts); c.-277G>C (NM_001350155.3); short protein forms R255T.
Identifiers: ClinVar variation 851144 (VCV000851144.12), dbSNP rs1735846674, ClinGen allele CA355910753.

ClinVar aggregate classification (germline): Uncertain significance (1 of 4 stars; one submission).

Allele frequency attached by ClinVar (database versions not stated): TOPMed below 0.00001; gnomAD 0.00001.
gnomAD v4.1: 1 of 1,613,784 alleles (0.000062%); highest among the groups gnomAD compares: Non-Finnish European, 0.000085%; no homozygotes.

Submission:

Labcorp Genetics (formerly Invitae), Labcorp
Classification: Uncertain significance. Last evaluated: 2025-01-15. Review status: criteria provided, single submitter. Criteria: Invitae Variant Classification Sherloc (09022015). Collection method: clinical testing. Allele origin: germline.
Comment: This sequence change replaces arginine, which is basic and polar, with threonine, which is neutral and polar, at codon 255 of the PDE6B protein (p.Arg255Thr). This variant is not present in population databases (gnomAD no frequency). This variant has not been reported in the literature in individuals affected with PDE6B-related conditions. ClinVar contains an entry for this variant (Variation ID: 851144). Invitae Evidence Modeling of protein sequence and biophysical properties (such as structural, functional, and spatial information, amino acid conservation, physicochemical variation, residue mobility, and thermodynamic stability) has been performed for this missense variant. However, the output from this modeling did not meet the statistical confidence thresholds required to predict the impact of this variant on PDE6B protein function. In summary, the available evidence is currently insufficient to determine the role of this variant in disease. Therefore, it has been classified as a Variant of Uncertain Significance.